The following is an entry in ClinVar:

ClinVar aggregate classification (germline): Uncertain significance (1 of 4 stars; one submission).

Conditions:
Acute myeloid leukemia (AML). Also called: Acute myeloid leukemia, adult; AML adult; Acute non-lymphocytic leukemia; Acute granulocytic leukemia; Leukemia, acute myeloid, somatic; Leukemia, acute myelogenous, somatic. Identifiers: Orphanet 519, MedGen C0023467, MeSH D015470, MONDO:0018874, OMIM 601626, HP:0004808. Disease mechanism: Constitutively activated FLT3.

Submission:

Labcorp Genetics (formerly Invitae), Labcorp
Classification: Uncertain significance for Acute myeloid leukemia. Last evaluated: 2023-07-07. Review status: criteria provided, single submitter. Criteria: Invitae Variant Classification Sherloc (09022015). Collection method: clinical testing. Allele origin: germline.
Comment: In summary, the available evidence is currently insufficient to determine the role of this variant in disease. Therefore, it has been classified as a Variant of Uncertain Significance. Experimental studies and prediction algorithms are not available or were not evaluated, and the effect of this variant on mRNA splicing is currently unknown. This variant has not been reported in the literature in individuals affected with CEBPA-related conditions. This variant is not present in population databases (gnomAD no frequency). This sequence change affects codon 196 of the CEBPA mRNA. It is a 'silent' change, meaning that it does not change the encoded amino acid sequence of the CEBPA protein.

NM_004364.5(CEBPA):c.588G>C (p.Pro196=)

Gene: CEBPA (CCAAT enhancer binding protein alpha; minus strand). Cytogenetic location: 19q13.11.
Variant type: single nucleotide variant.
Coding change: c.588G>C on transcript NM_004364.5 (MANE Select); coding-DNA position 588, G replaced by C.
Protein change: p.Pro196=; no amino-acid change (proline 196 retained).
Molecular consequence: synonymous variant.
Genome position (GRCh38, 1-based): chr19:33,301,827, C>G on the plus strand (G>C on the coding strand, the complement: CEBPA is on the minus strand). VCF-style: chr19-33301827-C-G. GRCh37 (hg19) VCF-style: chr19-33792733-C-G.
Other names: c.231G>C, p.Pro77= (NM_001285829.2); c.693G>C, p.Pro231= (NM_001287424.2); c.546G>C, p.Pro182= (NM_001287435.2).
Identifiers: ClinVar variation 2860572 (VCV002860572.3), dbSNP rs1317108579, ClinGen allele CA507007518.